The following is an entry in ClinVar:

ClinVar aggregate classification (germline): Uncertain significance. Review status: criteria provided, multiple submitters, no conflicts (2 of 4 stars). 2 submissions from 2 submitters: Uncertain significance (2). Last evaluated 2025-09-10.

Allele frequency attached by ClinVar (database versions not stated): ExAC 0.00001; gnomAD 0.00002; ESP Exome Variant Server 0.00008.
gnomAD v4.1: 11 of 1,613,806 alleles (0.00068%); highest among the groups gnomAD compares: African/African-American, 0.004%; no homozygotes.

Submissions (2):

Ambry Genetics
Classification: Uncertain significance. Last evaluated: 2025-09-10. Review status: criteria provided, single submitter. Criteria: Ambry Variant Classification Scheme 2023. Collection method: clinical testing. Allele origin: germline.

Labcorp Genetics (formerly Invitae), Labcorp
Classification: Uncertain significance. Last evaluated: 2023-07-10. Review status: criteria provided, single submitter. Criteria: Invitae Variant Classification Sherloc (09022015). Collection method: clinical testing. Allele origin: germline.
Comment: This variant has not been reported in the literature in individuals affected with LOXL3-related conditions. This sequence change replaces arginine, which is basic and polar, with cysteine, which is neutral and slightly polar, at codon 517 of the LOXL3 protein (p.Arg517Cys). This variant is present in population databases (rs147506172, gnomAD 0.007%). ClinVar contains an entry for this variant (Variation ID: 1427048). An algorithm developed to predict the effect of missense changes on protein structure and function (PolyPhen-2) suggests that this variant is likely to be disruptive. In summary, the available evidence is currently insufficient to determine the role of this variant in disease. Therefore, it has been classified as a Variant of Uncertain Significance.

NM_032603.5(LOXL3):c.1549C>T (p.Arg517Cys)

Gene: LOXL3 (lysyl oxidase like 3; minus strand). Cytogenetic location: 2p13.1.
Variant type: single nucleotide variant.
Coding change: c.1549C>T on transcript NM_032603.5 (MANE Select); coding-DNA position 1549, C replaced by T.
Protein change: p.Arg517Cys; replaces arginine 517 with cysteine.
Molecular consequence: missense variant.
Genome position (GRCh38, 1-based): chr2:74,535,322, G>A on the plus strand (C>T on the coding strand, the complement: LOXL3 is on the minus strand). VCF-style: chr2-74535322-G-A. GRCh37 (hg19) VCF-style: chr2-74762449-G-A.
Other names: c.1114C>T, p.Arg372Cys (NM_001289164.3); c.466C>T, p.Arg156Cys (NM_001289165.2); c.1549C>T (NM_032603.2); short protein forms R156C, R517C, R372C.
Identifiers: ClinVar variation 1427048 (VCV001427048.9), dbSNP rs147506172, ClinGen allele CA1728866.